The following is an entry in ClinVar:

NM_020778.5(ALPK3):c.75del (p.Asp25fs)

Gene: ALPK3 (alpha kinase 3; plus strand). Cytogenetic location: 15q25.3.
Variant type: Deletion.
Coding change: c.75del on transcript NM_020778.5 (MANE Select); coding-DNA position 75, one base deleted (C; older notation c.75delC).
Protein change: p.Asp25fs; shifts the reading frame from aspartic acid 25.
Molecular consequence: frameshift variant.
Genome position (GRCh38, 1-based): chr15:84,817,527, C deleted. VCF-style (leftmost placement, unchanged base first): chr15-84817526-AC-A. GRCh37 (hg19) VCF-style: chr15-85360757-AC-A.
Other names: short protein forms D25fs.
Identifiers: ClinVar variation 5005467 (VCV005005467.2).

ClinVar aggregate classification (germline): Likely pathogenic (1 of 4 stars; one submission).

Conditions:
Cardiomyopathy, familial hypertrophic 27. Identifiers: MedGen C4748014, MONDO:0054838, OMIM 618052.

Submission:

Juno Genomics, Hangzhou Juno Genomics, Inc
Classification: Likely pathogenic for Cardiomyopathy, familial hypertrophic 27. Review status: criteria provided, single submitter. Criteria: ACMG Guidelines, 2015. Collection method: clinical testing. Allele origin: germline.
Comment: Null variant in a gene where loss of function (LOF) is a known mechanism of disease.;Absent from controls (or at extremely low frequency if recessive) in Genome Aggregation Database.